The following is an entry in ClinVar:

ClinVar aggregate classification (germline): Uncertain significance (1 of 4 stars; one submission).

Submission:

Ambry Genetics
Classification: Uncertain significance. Last evaluated: 2022-06-27. Review status: criteria provided, single submitter. Criteria: Ambry Variant Classification Scheme 2023. Collection method: clinical testing. Allele origin: germline.
Comment: The p.Q943H variant (also known as c.2829A>T), located in coding exon 14 of the NPAT gene, results from an A to T substitution at nucleotide position 2829. The glutamine at codon 943 is replaced by histidine, an amino acid with highly similar properties. This amino acid position is conserved. In addition, this alteration is predicted to be tolerated by in silico analysis. Since supporting evidence is limited at this time, the clinical significance of this alteration remains unclear.

NM_002519.3(NPAT):c.2829A>T (p.Gln943His)

Gene: NPAT (nuclear protein, coactivator of histone transcription; minus strand). Cytogenetic location: 11q22.3.
Variant type: single nucleotide variant.
Coding change: c.2829A>T on transcript NM_002519.3 (MANE Select); coding-DNA position 2829, A replaced by T.
Protein change: p.Gln943His; replaces glutamine 943 with histidine.
Molecular consequence: missense variant.
Genome position (GRCh38, 1-based): chr11:108,170,000, T>A on the plus strand (A>T on the coding strand, the complement: NPAT is on the minus strand). VCF-style: chr11-108170000-T-A. GRCh37 (hg19) VCF-style: chr11-108040727-T-A.
Other names: c.2829A>T, p.Gln943His (NM_001321307.1); short protein forms Q943H.
Identifiers: ClinVar variation 1796533 (VCV001796533.2), dbSNP rs1246875878, ClinGen allele CA382512143.